The following is an entry in ClinVar:

ClinVar aggregate classification (germline): Uncertain significance. Review status: criteria provided, multiple submitters, no conflicts (2 of 4 stars). 2 submissions from 2 submitters: Uncertain significance (2). Last evaluated 2025-12-22.

Conditions:
Familial cancer of breast. Also called: BREAST CANCER, FAMILIAL; hereditary breast carcinoma; Hereditary breast cancer. Identifiers: Orphanet 227535, MedGen C0346153, MONDO:0016419, OMIM 114480. Disease mechanism: loss of function.
Hereditary breast ovarian cancer syndrome. Also called: Hereditary breast and ovarian cancer; BRCA1- and BRCA2-Associated Hereditary Breast and Ovarian Cancer; Hereditary breast and ovarian cancer syndrome; Breast and ovarian cancer; Hereditary breast and ovarian cancer syndrome (HBOC); Hereditary breast and/or ovarian cancer syndrome. Identifiers: Orphanet 145, MedGen C0677776, MeSH D061325, MONDO:0003582. Disease mechanism: loss of function.

Submissions (2):

Labcorp Genetics (formerly Invitae), Labcorp
Classification: Uncertain significance for Hereditary breast ovarian cancer syndrome. Last evaluated: 2025-12-22. Review status: criteria provided, single submitter. Criteria: Invitae Variant Classification Sherloc (09022015). Collection method: clinical testing. Allele origin: germline.
Comment: This sequence change replaces aspartic acid, which is acidic and polar, with glycine, which is neutral and non-polar, at codon 1337 of the BRCA2 protein (p.Asp1337Gly). This variant is not present in population databases (gnomAD no frequency). This variant has not been reported in the literature in individuals affected with BRCA2-related conditions. ClinVar contains an entry for this variant (Variation ID: 2816654). Invitae Evidence Modeling of protein sequence and biophysical properties (such as structural, functional, and spatial information, amino acid conservation, physicochemical variation, residue mobility, and thermodynamic stability) indicates that this missense variant is not expected to disrupt BRCA2 protein function with a negative predictive value of 95%. In summary, the available evidence is currently insufficient to determine the role of this variant in disease. Therefore, it has been classified as a Variant of Uncertain Significance.

KCCC/NGS Laboratory, Kuwait Cancer Control Center
Classification: Uncertain significance for Familial cancer of breast. Last evaluated: 2025-07-08. Review status: criteria provided, single submitter. Criteria: ACMG Guidelines, 2015. Collection method: clinical testing. Allele origin: germline. Inheritance: Autosomal dominant inheritance. Affected: yes. Observed: 1 heterozygote.
Comment: This sequence change replaces aspartic acid, which is acidic and polar, with glycine, which is neutral and non-polar, at codon 1337 of the BRCA2 protein (p.Asp1337Gly). This variant is not present in population databases (gnomAD no frequency). This variant has not been reported in the literature in individuals affected with BRCA2-related conditions. This variant has been predicted as benign by Polyphen and SIFT. In summary, the available evidence is currently insufficient to determine the role of this variant in disease. Therefore, it has been classified as a Variant of Uncertain Significance

NM_000059.4(BRCA2):c.4010A>G (p.Asp1337Gly)

Gene: BRCA2 (BRCA2 DNA repair associated; plus strand). Cytogenetic location: 13q13.1.
Variant type: single nucleotide variant.
Coding change: c.4010A>G on transcript NM_000059.4 (MANE Select); coding-DNA position 4010, A replaced by G.
Protein change: p.Asp1337Gly; replaces aspartic acid 1337 with glycine.
Molecular consequence: missense variant. On other transcripts: non-coding transcript variant (1), intron variant (2).
Genome position (GRCh38, 1-based): chr13:32,338,365, A>G. VCF-style: chr13-32338365-A-G. GRCh37 (hg19) VCF-style: chr13-32912502-A-G.
Other names: c.4010A>G, p.Asp1337Gly (NM_001406719.1, NM_001406720.1); c.1909+4978A>G (NM_001406721.1); c.425-6193A>G (NM_001406722.1); short protein forms D1337G.
Identifiers: ClinVar variation 2816654 (VCV002816654.4), dbSNP rs1555283501, ClinGen allele CA387779016.